The following is an entry in ClinVar:

ClinVar aggregate classification (germline): Likely benign (1 of 4 stars; one submission).

Conditions:
SPEG-related disorder. Also called: SPEG-related condition.

gnomAD v4.1: 68 of 1,577,498 alleles (0.0043%); highest among the groups gnomAD compares: Middle Eastern, 0.018%; no homozygotes.

Submission:

PreventionGenetics, part of Exact Sciences
Classification: Likely benign for SPEG-related condition. Last evaluated: 2025-12-31. Review status: criteria provided, single submitter. Criteria: ACMG Guidelines, 2015. Collection method: clinical testing. Allele origin: germline.
Comment: This variant is classified as likely benign based on ACMG/AMP sequence variant interpretation guidelines (Richards et al. 2015 PMID: 25741868, with internal and published modifications).

NM_005876.5(SPEG):c.*7G>A

Genes: ASIC4-AS1 (ASIC4 antisense RNA 1; minus strand), SPEG (striated muscle enriched protein kinase; plus strand). Cytogenetic location: 2q35.
Variant type: single nucleotide variant.
Coding change: c.*7G>A on transcript NM_005876.5 (MANE Select); 7 bases downstream of the stop codon, G replaced by A.
Molecular consequence: 3 prime UTR variant.
Genome position (GRCh38, 1-based): chr2:219,492,793, G>A. VCF-style: chr2-219492793-G-A. GRCh37 (hg19) VCF-style: chr2-220357515-G-A.
Identifiers: ClinVar variation 4985064 (VCV004985064.1).